The following is an entry in ClinVar:

NM_182925.5(FLT4):c.1775G>A (p.Arg592His)

Gene: FLT4 (fms related receptor tyrosine kinase 4; minus strand). Cytogenetic location: 5q35.3.
Variant type: single nucleotide variant.
Coding change: c.1775G>A on transcript NM_182925.5 (MANE Select); coding-DNA position 1775, G replaced by A.
Protein change: p.Arg592His; replaces arginine 592 with histidine.
Molecular consequence: missense variant.
Genome position (GRCh38, 1-based): chr5:180,621,787, C>T on the plus strand (G>A on the coding strand, the complement: FLT4 is on the minus strand). VCF-style: chr5-180621787-C-T. GRCh37 (hg19) VCF-style: chr5-180048787-C-T.
Other names: c.1775G>A, p.Arg592His (NM_001354989.2, NM_002020.5); short protein forms R592H.
Identifiers: ClinVar variation 3377919 (VCV003377919.1).
Genomic context (GRCh38, chr5:180,621,787, plus strand): 5'-TTCTTGCAGTCGAGCAGAAGCGGGTTCCCGTGCGCATCGTGCAGCGTGGACAGGTTGAGG[C>T]GGTACCAGCGCAGATGCTCGTACTTGTAGCTGTCGGCTTGGCAGCTCAGGAGCACCGGCT-3'
Protein context (NP_891555.2, residues 582-602): SYKYEHLRWY[Arg592His]LNLSTLHDAH

ClinVar aggregate classification (germline): Uncertain significance (1 of 4 stars; one submission).

gnomAD v4.1: 1 of 1,613,396 alleles (0.000062%); highest among the groups gnomAD compares: Non-Finnish European, 0.000085%; no homozygotes.

Submission:

GeneDx
Classification: Uncertain significance. Last evaluated: 2024-05-15. Review status: criteria provided, single submitter. Criteria: GeneDx Variant Classification Process June 2021. Collection method: clinical testing. Allele origin: germline. Affected: yes.
Comment: Not observed at significant frequency in large population cohorts (gnomAD); In silico analysis supports that this missense variant has a deleterious effect on protein structure/function; Has not been previously published as pathogenic or benign to our knowledge